The following is an entry in ClinVar:

NM_001009944.3(PKD1):c.11423G>A (p.Trp3808Ter)

Genes: PKD1 (polycystin 1, transient receptor potential channel interacting; minus strand), PKD1-AS1 (PKD1 antisense RNA 1; plus strand). Cytogenetic location: 16p13.3.
Variant type: single nucleotide variant.
Coding change: c.11423G>A on transcript NM_001009944.3 (MANE Select); coding-DNA position 11423, G replaced by A.
Protein change: p.Trp3808Ter; replaces tryptophan 3808 with a stop codon.
Molecular consequence: nonsense.
Genome position (GRCh38, 1-based): chr16:2,091,895, C>T on the plus strand (G>A on the coding strand, the complement: PKD1 is on the minus strand). VCF-style: chr16-2091895-C-T. GRCh37 (hg19) VCF-style: chr16-2141896-C-T.
Other names: c.11420G>A, p.Trp3807Ter (NM_000296.4); short protein forms W3807*, W3808*.
Identifiers: ClinVar variation 2431737 (VCV002431737.1), dbSNP rs2544621217, ClinGen allele CA394333496.

ClinVar aggregate classification (germline): Pathogenic (1 of 4 stars; one submission).

Conditions:
Polycystic kidney disease, adult type (PKD1). Also called: Polycystic Kidney, Autosomal Dominant; POLYCYSTIC KIDNEY DISEASE 1 WITH OR WITHOUT POLYCYSTIC LIVER DISEASE; POLYCYSTIC KIDNEY DISEASE, ADULT, TYPE I; Polycystic Kidney Disease 1, Autosomal Dominant; Polycystic kidney disease 1; Polycystic kidney disease 1, severe. Identifiers: MedGen C3149841, MONDO:0008263, OMIM 173900.

Submission:

Laboratorio de Genetica e Diagnostico Molecular, Hospital Israelita Albert Einstein
Classification: Pathogenic for Polycystic kidney disease, adult type. Last evaluated: 2022-03-24. Review status: criteria provided, single submitter. Criteria: ACMG Guidelines, 2015. Collection method: clinical testing. Allele origin: germline. Affected: yes. Observed: 1 variant allele.
Comment: ACMG classification criteria: PVS1 very strong, PS4 moderated, PM2 moderated